The following is an entry in ClinVar:

NM_006231.4(POLE):c.1736G>T (p.Arg579Leu)

Gene: POLE (DNA polymerase epsilon, catalytic subunit; minus strand). Cytogenetic location: 12q24.33.
Variant type: single nucleotide variant.
Coding change: c.1736G>T on transcript NM_006231.4 (MANE Select); coding-DNA position 1736, G replaced by T.
Protein change: p.Arg579Leu; replaces arginine 579 with leucine.
Molecular consequence: missense variant.
Genome position (GRCh38, 1-based): chr12:132,672,273, C>A on the plus strand (G>T on the coding strand, the complement: POLE is on the minus strand). VCF-style: chr12-132672273-C-A. GRCh37 (hg19) VCF-style: chr12-133248859-C-A.
Other names: short protein forms R579L.
Identifiers: ClinVar variation 1721666 (VCV001721666.5), dbSNP rs149296223, ClinGen allele CA387356326.
Genomic context (GRCh38, chr12:132,672,273, plus strand): 5'-ACCTCTTCAAAGTTGGTGACTTGCTCCACAGGCACTTTCTCCTCTTCCTCAAGGGCGTGG[C>A]GCAAGGTCTTCTCAACCCGCTGCAGCAGGAAGTCAAAGGCGGCAGGATTCTAGCACAACA-3'
Protein context (NP_006222.2, residues 569-589): FLLQRVEKTL[Arg579Leu]HALEEEEKVP

ClinVar aggregate classification (germline): Uncertain significance (1 of 4 stars; one submission).

Submission:

Labcorp Genetics (formerly Invitae), Labcorp
Classification: Uncertain significance. Last evaluated: 2025-12-24. Review status: criteria provided, single submitter. Criteria: Invitae Variant Classification Sherloc (09022015). Collection method: clinical testing. Allele origin: germline.
Comment: This sequence change replaces arginine, which is basic and polar, with leucine, which is neutral and non-polar, at codon 579 of the POLE protein (p.Arg579Leu). This variant is not present in population databases (gnomAD no frequency). This variant has not been reported in the literature in individuals affected with POLE-related conditions. ClinVar contains an entry for this variant (Variation ID: 1721666). Invitae Evidence Modeling of protein sequence and biophysical properties (such as structural, functional, and spatial information, amino acid conservation, physicochemical variation, residue mobility, and thermodynamic stability) indicates that this missense variant is not expected to disrupt POLE protein function with a negative predictive value of 80%. In summary, the available evidence is currently insufficient to determine the role of this variant in disease. Therefore, it has been classified as a Variant of Uncertain Significance.